The following is an entry in ClinVar:

NM_031372.4(HNRNPDL):c.83C>G (p.Ser28Cys)

Gene: HNRNPDL (heterogeneous nuclear ribonucleoprotein D like; minus strand). Cytogenetic location: 4q21.22.
Variant type: single nucleotide variant.
Coding change: c.83C>G on transcript NM_031372.4 (MANE Select); coding-DNA position 83, C replaced by G.
Protein change: p.Ser28Cys; replaces serine 28 with cysteine.
Molecular consequence: missense variant. On other transcripts: non-coding transcript variant (1).
Genome position (GRCh38, 1-based): chr4:82,429,608, G>C on the plus strand (C>G on the coding strand, the complement: HNRNPDL is on the minus strand). VCF-style: chr4-82429608-G-C. GRCh37 (hg19) VCF-style: chr4-83350761-G-C.
Other names: c.83C>G (NM_031372.3); c.83C>G, p.Ser28Cys (NM_001207000.1); short protein forms S28C.
Identifiers: ClinVar variation 1492838 (VCV001492838.9), dbSNP rs1317573266, ClinGen allele CA357173732.

ClinVar aggregate classification (germline): Uncertain significance. Review status: criteria provided, multiple submitters, no conflicts (2 of 4 stars). 2 submissions from 2 submitters: Uncertain significance (2). Last evaluated 2025-04-11.

Conditions:
Autosomal dominant limb-girdle muscular dystrophy type 1G (LGMDD3). Also called: Limb-girdle muscular dystrophy, type 1G; MUSCULAR DYSTROPHY, LIMB-GIRDLE, AUTOSOMAL DOMINANT 3. Identifiers: Orphanet 55596, MedGen C1836765, MONDO:0012193, OMIM 609115.

Allele frequency attached by ClinVar (database versions not stated): gnomAD 0.00001.
gnomAD v4.1: 6 of 1,383,486 alleles (0.00043%); highest among the groups gnomAD compares: Admixed American, 0.0039%; no homozygotes.

Submissions (2):

Ambry Genetics
Classification: Uncertain significance. Last evaluated: 2025-04-11. Review status: criteria provided, single submitter. Criteria: Ambry Variant Classification Scheme 2023. Collection method: clinical testing. Allele origin: germline.

Labcorp Genetics (formerly Invitae), Labcorp
Classification: Uncertain significance for Autosomal dominant limb-girdle muscular dystrophy type 1G. Last evaluated: 2022-03-18. Review status: criteria provided, single submitter. Criteria: Invitae Variant Classification Sherloc (09022015). Collection method: clinical testing. Allele origin: germline.
Comment: This sequence change replaces serine, which is neutral and polar, with cysteine, which is neutral and slightly polar, at codon 28 of the HNRNPDL protein (p.Ser28Cys). This variant is present in population databases (no rsID available, gnomAD 0.1%). This variant has not been reported in the literature in individuals affected with HNRNPDL-related conditions. Algorithms developed to predict the effect of missense changes on protein structure and function are either unavailable or do not agree on the potential impact of this missense change (SIFT: "Deleterious"; PolyPhen-2: "Possibly Damaging"; Align-GVGD: "Class C0"). In summary, the available evidence is currently insufficient to determine the role of this variant in disease. Therefore, it has been classified as a Variant of Uncertain Significance.